The following is an entry in ClinVar:

ClinVar aggregate classification (germline): Pathogenic (1 of 4 stars; one submission).

Conditions:
MEGF10-related myopathy (CMYO10A). Also called: Congenital myopathy 10A, severe variant. Identifiers: Orphanet 439212, MedGen C3280679, MONDO:0013731, OMIM 614399.

Submission:

Labcorp Genetics (formerly Invitae), Labcorp
Classification: Pathogenic for MEGF10-related myopathy. Last evaluated: 2022-08-09. Review status: criteria provided, single submitter. Criteria: Invitae Variant Classification Sherloc (09022015). Collection method: clinical testing. Allele origin: germline.
Comment: For these reasons, this variant has been classified as Pathogenic. ClinVar contains an entry for this variant (Variation ID: 1070845). This variant has not been reported in the literature in individuals affected with MEGF10-related conditions. This variant is not present in population databases (gnomAD no frequency). This sequence change creates a premature translational stop signal (p.Tyr80*) in the MEGF10 gene. It is expected to result in an absent or disrupted protein product. Loss-of-function variants in MEGF10 are known to be pathogenic (PMID: 22101682, 22371254, 23453856, 23954233).

Literature cited by the submitters: PubMed 22101682; PubMed 22371254; PubMed 23453856; PubMed 23954233.

NM_001256545.2(MEGF10):c.240T>G (p.Tyr80Ter)

Gene: MEGF10 (multiple EGF like domains 10; plus strand). Cytogenetic location: 5q23.2.
Variant type: single nucleotide variant.
Coding change: c.240T>G on transcript NM_001256545.2 (MANE Select); coding-DNA position 240, T replaced by G.
Protein change: p.Tyr80Ter; replaces tyrosine 80 with a stop codon.
Molecular consequence: nonsense.
Genome position (GRCh38, 1-based): chr5:127,340,551, T>G. VCF-style: chr5-127340551-T-G. GRCh37 (hg19) VCF-style: chr5-126676243-T-G.
Other names: c.240T>G, p.Tyr80Ter (NM_001308119.2, NM_001308121.2, NM_032446.3); short protein forms Y80*.
Identifiers: ClinVar variation 1070845 (VCV001070845.7), dbSNP rs1234596293, ClinGen allele CA360822875.